The following is an entry in ClinVar:

NM_032444.4(SLX4):c.1744C>T (p.Arg582Ter)

Gene: SLX4 (SLX4 structure-specific endonuclease subunit; minus strand). Cytogenetic location: 16p13.3.
Variant type: single nucleotide variant.
Coding change: c.1744C>T on transcript NM_032444.4 (MANE Select); coding-DNA position 1744, C replaced by T.
Protein change: p.Arg582Ter; replaces arginine 582 with a stop codon.
Molecular consequence: nonsense.
Genome position (GRCh38, 1-based): chr16:3,596,333, G>A on the plus strand (C>T on the coding strand, the complement: SLX4 is on the minus strand). VCF-style: chr16-3596333-G-A. GRCh37 (hg19) VCF-style: chr16-3646334-G-A.
Other names: short protein forms R582*.
Identifiers: ClinVar variation 4765384 (VCV004765384.1).

ClinVar aggregate classification (germline): Pathogenic (1 of 4 stars; one submission).

Conditions:
Fanconi anemia (FA). Also called: Fanconi's anemia. Identifiers: Orphanet 84, MedGen C0015625, MeSH D005199, MONDO:0019391.

gnomAD v4.1: 4 of 1,589,168 alleles (0.00025%); highest among the groups gnomAD compares: East Asian, 0.0023%; no homozygotes.

Submission:

Labcorp Genetics (formerly Invitae), Labcorp
Classification: Pathogenic for Fanconi anemia. Last evaluated: 2025-05-23. Review status: criteria provided, single submitter. Criteria: Invitae Variant Classification Sherloc (09022015). Collection method: clinical testing. Allele origin: germline.
Comment: This sequence change creates a premature translational stop signal (p.Arg582*) in the SLX4 gene. It is expected to result in an absent or disrupted protein product. Loss-of-function variants in SLX4 are known to be pathogenic (PMID: 21240277). The frequency data for this variant in the population databases is considered unreliable, as metrics indicate poor data quality at this position in the gnomAD database. This variant has not been reported in the literature in individuals affected with SLX4-related conditions. For these reasons, this variant has been classified as Pathogenic.

Literature cited by the submitters: PubMed 21240277.